The following is an entry in ClinVar:

ClinVar aggregate classification (germline): Uncertain significance (1 of 4 stars; one submission).

Submission:

Women's Health and Genetics/Laboratory Corporation of America, LabCorp
Classification: Uncertain significance. Last evaluated: 2024-09-20. Review status: criteria provided, single submitter. Criteria: LabCorp Variant Classification Summary - May 2015. Collection method: clinical testing. Allele origin: germline.
Comment: Variant summary: POMT2 c.557G>A (p.Cys186Tyr) results in a non-conservative amino acid change located in the Glycosyl transferase family 39/83 domain (IPR003342) of the encoded protein sequence. Three of five in-silico tools predict a damaging effect of the variant on protein function. The variant was absent in 249708 control chromosomes. The available data on variant occurrences in the general population are insufficient to allow any conclusion about variant significance. c.557G>A has been reported in the literature in at least one compound heterozygous individual affected with Autosomal Recessive Limb-Girdle Muscular Dystrophy (e.g. Ostergaard_2018, Topf_2020). These report(s) do not provide unequivocal conclusions about association of the variant with Limb-Girdle Muscular Dystrophy. To our knowledge, no experimental evidence demonstrating an impact on protein function has been reported. The following publications have been ascertained in the context of this evaluation (PMID: 29175898, 32528171). No submitters have cited clinical-significance assessments for this variant to ClinVar. Based on the evidence outlined above, the variant was classified as uncertain significance.

Literature cited by the submitters: PubMed 29175898; PubMed 32528171.

NM_013382.7(POMT2):c.557G>A (p.Cys186Tyr)

Gene: POMT2 (protein O-mannosyltransferase 2; minus strand). Cytogenetic location: 14q24.3.
Variant type: single nucleotide variant.
Coding change: c.557G>A on transcript NM_013382.7 (MANE Select); coding-DNA position 557, G replaced by A.
Protein change: p.Cys186Tyr; replaces cysteine 186 with tyrosine.
Molecular consequence: missense variant.
Genome position (GRCh38, 1-based): chr14:77,302,934, C>T on the plus strand (G>A on the coding strand, the complement: POMT2 is on the minus strand). VCF-style: chr14-77302934-C-T. GRCh37 (hg19) VCF-style: chr14-77769277-C-T.
Other names: short protein forms C186Y.
Identifiers: ClinVar variation 3375337 (VCV003375337.1).